The following is an entry in ClinVar:

ClinVar aggregate classification (germline): Uncertain significance (1 of 4 stars; one submission).

Conditions:
Hepatocellular carcinoma (HCC). Also called: Primary carcinoma of liver; HEPATOMA; LIVER CELL CARCINOMA. Identifiers: Orphanet 88673, MedGen C2239176, MONDO:0007256, OMIM 114550, HP:0001402.

Allele frequency attached by ClinVar (database versions not stated): gnomAD exomes 0.00005; ExAC 0.00007; 1000 Genomes Project 30x 0.00047; TOPMed 0.00001; gnomAD 0.00001 and 0.00003; ESP Exome Variant Server 0.00008; 1000 Genomes Project 0.00060.
gnomAD v4.1: 89 of 1,613,950 alleles (0.0055%); highest among the groups gnomAD compares: East Asian, 0.018%; no homozygotes.

Submission:

Diagnostics Services (NGS), CSIR - Centre For Cellular And Molecular Biology
Classification: Uncertain significance for Hepatocellular carcinoma. Last evaluated: 2021-03-09. Review status: criteria provided, single submitter. Criteria: ACMG Guidelines, 2015. Collection method: clinical testing. Allele origin: unknown. Affected: yes. Observed: 1 variant allele, 1 heterozygote.
Comment: The c.5691C>T variant is present in publicly available population databases like 1000 Genomes, EVS, ExAC, gnomAD and dbSNP at a very low frequency, only in heterozygous state. The heterozygous state of the variant is present in Indian Exome Database [Kausthubham et al. Hum Mutat, 2021] and in our in-house exome database at a low frequency. The variant was not reported earlier to ClinVar, Human Genome Mutation Database (HGMD) and/or OMIM databases in any affected individuals. In-silico pathogenicity programs like MutationTaster2 and CADD predicted this variant as likely deleterious. The distance of the variant from intron-exon junction is 5 bp and may affect the splicing by significantly altering Exonic Splice Enhancer (ESE)/ Exonic Splice Silencer (ESS) motifs as predicted by Human Splice Finder (HSF3.1). However there are no proven or established functional studies reported to prove its pathogenicity. Due to lack of enough evidence the variant has been classified as uncertain significance.

NM_000876.4(IGF2R):c.5691C>T (p.Thr1897=)

Gene: IGF2R (insulin like growth factor 2 receptor; plus strand). Cytogenetic location: 6q25.3.
Variant type: single nucleotide variant.
Coding change: c.5691C>T on transcript NM_000876.4 (MANE Select); coding-DNA position 5691, C replaced by T.
Protein change: p.Thr1897=; no amino-acid change (threonine 1897 retained).
Molecular consequence: synonymous variant.
Genome position (GRCh38, 1-based): chr6:160,080,133, C>T. VCF-style: chr6-160080133-C-T. GRCh37 (hg19) VCF-style: chr6-160501165-C-T.
Identifiers: ClinVar variation 1173094 (VCV001173094.4), dbSNP rs139019277, ClinGen allele CA4083001.
Genomic context (GRCh38, chr6:160,080,133, plus strand): 5'-TGATTGTGCCTGGCGAGGCACAGCTGCCACACTGATAATGTTCTTCTTCTTTCCAGAAAC[C>T]GATGACGGCGTCCCCTGTGTCTTCCCCTTCATATTCAATGGGAAGAGCTACGAGGAGTGC-3'
Protein context (NP_000867.3, residues 1887-1907): YVNGDRCPPE[Thr1897=]DDGVPCVFPF